The following is an entry in ClinVar:

ClinVar aggregate classification (germline): Uncertain significance (1 of 4 stars; one submission).

Conditions:
Developmental and epileptic encephalopathy, 37 (DEE37). Also called: Epileptic encephalopathy, early infantile, 37. Identifiers: MedGen C4310770, MONDO:0014859, OMIM 616981.

Submission:

Labcorp Genetics (formerly Invitae), Labcorp
Classification: Uncertain significance for Developmental and epileptic encephalopathy, 37. Last evaluated: 2022-04-30. Review status: criteria provided, single submitter. Criteria: Invitae Variant Classification Sherloc (09022015). Collection method: clinical testing. Allele origin: germline.
Comment: This variant has not been reported in the literature in individuals affected with FRRS1L-related conditions. In summary, the available evidence is currently insufficient to determine the role of this variant in disease. Therefore, it has been classified as a Variant of Uncertain Significance. Variants that disrupt the consensus splice site are a relatively common cause of aberrant splicing (PMID: 17576681, 9536098). Algorithms developed to predict the effect of sequence changes on RNA splicing suggest that this variant may disrupt the consensus splice site. This variant is not present in population databases (gnomAD no frequency). This sequence change falls in intron 3 of the FRRS1L gene. It does not directly change the encoded amino acid sequence of the FRRS1L protein. It affects a nucleotide within the consensus splice site.

Literature cited by the submitters: PubMed 17576681; PubMed 9536098.

NM_014334.4(FRRS1L):c.463-3T>G

Gene: FRRS1L (ferric chelate reductase 1 like; minus strand). Cytogenetic location: 9q31.3.
Variant type: single nucleotide variant.
Coding change: c.463-3T>G on transcript NM_014334.4 (MANE Select); 3 bases into the intron before coding-DNA position 463, T replaced by G.
Molecular consequence: intron variant.
Genome position (GRCh38, 1-based): chr9:109,141,592, A>C on the plus strand (T>G on the coding strand, the complement: FRRS1L is on the minus strand). VCF-style: chr9-109141592-A-C. GRCh37 (hg19) VCF-style: chr9-111903872-A-C.
Identifiers: ClinVar variation 2117396 (VCV002117396.4), dbSNP rs2538497234, ClinGen allele CA2580079391.
Genomic context (GRCh38, chr9:109,141,592, plus strand): 5'-GCTGTATGCGGACCCTGCCATTGTCATCATGGACGCAGGCCATGACATCATCACCACCCT[A>C]ACATGAGAAATGATTGAGAAAAAAAAAAGTCAAAGGTTCATCTTTTGCACACTGGTCACT-3'